The following is an entry in ClinVar:

ClinVar aggregate classification (germline): Likely benign. Review status: criteria provided, multiple submitters, no conflicts (2 of 4 stars). 2 submissions from 2 submitters: Likely benign (2). Last evaluated 2026-09-01.

gnomAD v4.1: 1,124 of 1,613,922 alleles (0.07%); highest among the groups gnomAD compares: African/African-American, 1.2%; 3 homozygotes.

Submissions (2):

CeGaT Center for Human Genetics Tuebingen
Classification: Likely benign. Last evaluated: 2026-09-01. Review status: criteria provided, single submitter. Criteria: CeGaT Center For Human Genetics Tuebingen Variant Classification Criteria Version 2. Collection method: clinical testing. Allele origin: germline. Affected: yes. Observed: 1 variant allele.
Comment: RPA1: BP4, BP7, BS1

Mayo Clinic Laboratories, Mayo Clinic
Classification: Likely benign. Last evaluated: 2025-09-19. Review status: criteria provided, single submitter. Criteria: ACMG Guidelines, 2015. Collection method: clinical testing. Allele origin: germline. Observed: 1 variant allele.
Comment: BP4, BP7

NM_002945.5(RPA1):c.1515C>T (p.Thr505=)

Gene: RPA1 (replication protein A1; plus strand). Cytogenetic location: 17p13.3.
Variant type: single nucleotide variant.
Coding change: c.1515C>T on transcript NM_002945.5 (MANE Select); coding-DNA position 1515, C replaced by T.
Protein change: p.Thr505=; no amino-acid change (threonine 505 retained).
Molecular consequence: synonymous variant. On other transcripts: intron variant (1).
Genome position (GRCh38, 1-based): chr17:1,888,815, C>T. VCF-style: chr17-1888815-C-T. GRCh37 (hg19) VCF-style: chr17-1792109-C-T.
Other names: p.Thr505=; c.1476C>T, p.Thr492= (NM_001355120.2); c.1375-3018C>T (NM_001355121.2).
Identifiers: ClinVar variation 4684179 (VCV004684179.2).